The following is an entry in ClinVar:

NM_013382.7(POMT2):c.*1058G>A

Gene: POMT2 (protein O-mannosyltransferase 2; minus strand). Cytogenetic location: 14q24.3.
Variant type: single nucleotide variant.
Coding change: c.*1058G>A on transcript NM_013382.7 (MANE Select); 1058 bases downstream of the stop codon, G replaced by A.
Molecular consequence: 3 prime UTR variant.
Genome position (GRCh38, 1-based): chr14:77,276,318, C>T on the plus strand (G>A on the coding strand, the complement: POMT2 is on the minus strand). VCF-style: chr14-77276318-C-T. GRCh37 (hg19) VCF-style: chr14-77742661-C-T.
Identifiers: ClinVar variation 314533 (VCV000314533.6), dbSNP rs11624564, ClinGen allele CA10646301.
Genomic context (GRCh38, chr14:77,276,318, plus strand): 5'-TTTCTAGGTGCCATGGGTCTTCACTGCTGAAGCAGTGACAGAGAGAAAGGGAATTGCCCA[C>T]GGAGTGAGGGAGGGGTGAGCAGAGGAGGACTGCAGAAGTGACACTGGGAAAGCTCAGCAG-3'

ClinVar aggregate classification (germline): Benign. Review status: criteria provided, multiple submitters, no conflicts (2 of 4 stars). 2 submissions from 2 submitters: Benign (2). Last evaluated 2018-01-13.

Conditions:
Autosomal recessive limb-girdle muscular dystrophy type 2N. Also called: MUSCULAR DYSTROPHY-DYSTROGLYCANOPATHY, LIMB-GIRDLE, POMT2-RELATED; Muscular dystrophy-dystroglycanopathy (limb-girdle), type C, 2. Identifiers: Orphanet 206559, MedGen C3150418, MONDO:0013162, OMIM 613158.

Allele frequency attached by ClinVar (database versions not stated): 1000 Genomes Project 30x 0.35447; 1000 Genomes Project 0.36242; TOPMed 0.38524; gnomAD 0.41162 and 0.41391; gnomAD exomes 0.56466.
gnomAD v4.1: 63,280 of 152,500 alleles (41%); highest among the groups gnomAD compares: Non-Finnish European, 53%; 14,908 homozygotes.

Submissions (2):

Illumina Laboratory Services, Illumina
Classification: Benign for Autosomal recessive limb-girdle muscular dystrophy type 2N. Last evaluated: 2018-01-13. Review status: criteria provided, single submitter. Criteria: ICSL Variant Classification Criteria 13 December 2019. Collection method: clinical testing. Allele origin: germline.
Comment: This variant was observed in the ICSL laboratory as part of a predisposition screen in an ostensibly healthy population. It had not been previously curated by ICSL or reported in the Human Gene Mutation Database (HGMD: prior to June 1st, 2018), and was therefore a candidate for classification through an automated scoring system. Utilizing variant allele frequency, disease prevalence and penetrance estimates, and inheritance mode, an automated score was calculated to assess if this variant is too frequent to cause the disease. Based on the score and internal cut-off values, a variant classified as benign is not then subjected to further curation. The score for this variant resulted in a classification of benign for this disease.

Breakthrough Genomics
Classification: Benign. Review status: criteria provided, single submitter. Criteria: ACMG Guidelines, 2015. Collection method: not provided. Allele origin: germline. Inheritance: Autosomal recessive inheritance. Affected: yes.